The following is an entry in ClinVar:

NM_005378.6(MYCN):c.1243G>A (p.Glu415Lys)

Gene: MYCN (MYCN proto-oncogene, bHLH transcription factor; plus strand). Cytogenetic location: 2p24.3.
Variant type: single nucleotide variant.
Coding change: c.1243G>A on transcript NM_005378.6 (MANE Select); coding-DNA position 1243, G replaced by A.
Protein change: p.Glu415Lys; replaces glutamic acid 415 with lysine.
Molecular consequence: missense variant. On other transcripts: 3 prime UTR variant (1).
Genome position (GRCh38, 1-based): chr2:15,945,945, G>A. VCF-style: chr2-15945945-G-A. GRCh37 (hg19) VCF-style: chr2-16086067-G-A.
Other names: c.1243G>A, p.Glu415Lys (NM_001293228.2); c.610G>A, p.Glu204Lys (NM_001293231.2); c.*1178G>A (NM_001293233.2); short protein forms E204K, E415K.
Identifiers: ClinVar variation 4527678 (VCV004527678.1).

ClinVar aggregate classification (germline): Uncertain significance (1 of 4 stars; one submission).

Submission:

GeneDx
Classification: Uncertain significance. Last evaluated: 2025-05-02. Review status: criteria provided, single submitter. Criteria: GeneDx Variant Classification Process June 2021. Collection method: clinical testing. Allele origin: germline. Affected: yes.
Comment: Not observed at significant frequency in large population cohorts (gnomAD); In silico analysis supports that this missense variant has a deleterious effect on protein structure/function; Has not been previously published as pathogenic or benign to our knowledge